The following is an entry in ClinVar:

NM_000302.4(PLOD1):c.1108C>T (p.Arg370Trp)

Gene: PLOD1 (procollagen-lysine,2-oxoglutarate 5-dioxygenase 1; plus strand). Cytogenetic location: 1p36.22.
Variant type: single nucleotide variant.
Coding change: c.1108C>T on transcript NM_000302.4 (MANE Select); coding-DNA position 1108, C replaced by T.
Protein change: p.Arg370Trp; replaces arginine 370 with tryptophan.
Molecular consequence: missense variant.
Genome position (GRCh38, 1-based): chr1:11,963,542, C>T. VCF-style: chr1-11963542-C-T. GRCh37 (hg19) VCF-style: chr1-12023599-C-T.
Other names: c.1249C>T, p.Arg417Trp (NM_001316320.2); short protein forms R370W, R417W.
Identifiers: ClinVar variation 582894 (VCV000582894.10), dbSNP rs763065699, ClinGen allele CA338439603.

ClinVar aggregate classification (germline): Uncertain significance. Review status: criteria provided, multiple submitters, no conflicts (2 of 4 stars). 4 submissions from 4 submitters: Uncertain significance (4). Last evaluated 2026-02-19.

Conditions:
Ehlers-Danlos syndrome, kyphoscoliotic type 1 (EDSKSCL1). Also called: EHLERS-DANLOS SYNDROME, TYPE VIA; EHLERS-DANLOS SYNDROME, OCULAR-SCOLIOTIC TYPE; Ehlers-Danlos syndrome, hydroxylysine-deficient; PLOD1-Related Kyphoscoliotic Ehlers-Danlos Syndrome. Identifiers: Orphanet 1900, MedGen C0268342, MONDO:0016002, OMIM 225400. Disease mechanism: loss of function.
Familial thoracic aortic aneurysm and aortic dissection (TAAD). Also called: Thoracic aortic aneurysms and dissections. Identifiers: Orphanet 91387, MedGen C4707243, MONDO:0019625.

Allele frequency attached by ClinVar (database versions not stated): TOPMed 0.00001.
gnomAD v4.1: 25 of 1,597,718 alleles (0.0016%); highest among the groups gnomAD compares: Non-Finnish European, 0.0018%; no homozygotes.

Submissions (4):

Dasa
Classification: Uncertain significance for Ehlers-Danlos syndrome, kyphoscoliotic type 1. Last evaluated: 2026-02-19. Review status: criteria provided, single submitter. Criteria: DASA Assertion Criteria. Collection method: clinical testing. Allele origin: germline.
Comment: NM_000302.4(PLOD1):c.1108C>T (p.Arg370Trp) is a missense variant that results in the substitution of arginine with tryptophan. This variant is rare in population databases. The currently available literature and clinical evidence are not sufficient to establish a definitive association between this variant and the reported condition. Therefore, this variant is classified as a variant of uncertain significance.

Ambry Genetics
Classification: Uncertain significance for Familial thoracic aortic aneurysm and aortic dissection. Last evaluated: 2025-06-17. Review status: criteria provided, single submitter. Criteria: Ambry Variant Classification Scheme 2023. Collection method: clinical testing. Allele origin: germline.
Comment: The p.R370W variant (also known as c.1108C>T), located in coding exon 11 of the PLOD1 gene, results from a C to T substitution at nucleotide position 1108. The arginine at codon 370 is replaced by tryptophan, an amino acid with dissimilar properties. This amino acid position is conserved. In addition, this alteration is predicted to be deleterious by in silico analysis. Based on the available evidence, the clinical significance of this variant remains unclear.

Labcorp Genetics (formerly Invitae), Labcorp
Classification: Uncertain significance for Ehlers-Danlos syndrome, kyphoscoliotic type 1. Last evaluated: 2021-09-01. Review status: criteria provided, single submitter. Criteria: Invitae Variant Classification Sherloc (09022015). Collection method: clinical testing. Allele origin: germline.
Comment: This sequence change replaces arginine with tryptophan at codon 370 of the PLOD1 protein (p.Arg370Trp). The arginine residue is highly conserved and there is a moderate physicochemical difference between arginine and tryptophan. This variant is not present in population databases (ExAC no frequency). This variant has not been reported in the literature in individuals affected with PLOD1-related conditions. Algorithms developed to predict the effect of missense changes on protein structure and function (SIFT, PolyPhen-2, Align-GVGD) all suggest that this variant is likely to be disruptive. In summary, the available evidence is currently insufficient to determine the role of this variant in disease. Therefore, it has been classified as a Variant of Uncertain Significance.

Fulgent Genetics
Classification: Uncertain significance for Ehlers-Danlos syndrome, kyphoscoliotic type 1. Last evaluated: 2018-10-31. Review status: criteria provided, single submitter. Criteria: ACMG Guidelines, 2015. Collection method: clinical testing. Allele origin: unknown.